The following is an entry in ClinVar:

NM_018668.5(VPS33B):c.346A>G (p.Ser116Gly)

Gene: VPS33B (VPS33B late endosome and lysosome associated; minus strand). Cytogenetic location: 15q26.1.
Variant type: single nucleotide variant.
Coding change: c.346A>G on transcript NM_018668.5 (MANE Select); coding-DNA position 346, A replaced by G.
Protein change: p.Ser116Gly; replaces serine 116 with glycine.
Molecular consequence: missense variant.
Genome position (GRCh38, 1-based): chr15:91,013,815, T>C on the plus strand (A>G on the coding strand, the complement: VPS33B is on the minus strand). VCF-style: chr15-91013815-T-C. GRCh37 (hg19) VCF-style: chr15-91557045-T-C.
Other names: c.265A>G, p.Ser89Gly (NM_001289148.1); c.73A>G, p.Ser25Gly (NM_001289149.1); short protein forms S89G, S116G, S25G.
Identifiers: ClinVar variation 1962424 (VCV001962424.5), dbSNP rs567180920, ClinGen allele CA7745107.

ClinVar aggregate classification (germline): Uncertain significance (1 of 4 stars; one submission).

Allele frequency attached by ClinVar (database versions not stated): ExAC 0.00001; gnomAD 0.00001; 1000 Genomes Project 30x 0.00016; 1000 Genomes Project 0.00020.
gnomAD v4.1: 2 of 1,614,182 alleles (0.00012%); highest among the groups gnomAD compares: Non-Finnish European, 0.00017%; no homozygotes.

Submission:

Labcorp Genetics (formerly Invitae), Labcorp
Classification: Uncertain significance. Last evaluated: 2022-10-01. Review status: criteria provided, single submitter. Criteria: Invitae Variant Classification Sherloc (09022015). Collection method: clinical testing. Allele origin: germline.
Comment: In summary, the available evidence is currently insufficient to determine the role of this variant in disease. Therefore, it has been classified as a Variant of Uncertain Significance. Advanced modeling of protein sequence and biophysical properties (such as structural, functional, and spatial information, amino acid conservation, physicochemical variation, residue mobility, and thermodynamic stability) performed at Invitae indicates that this missense variant is not expected to disrupt VPS33B protein function. This variant has not been reported in the literature in individuals affected with VPS33B-related conditions. This variant is present in population databases (rs567180920, gnomAD 0.0009%). This sequence change replaces serine, which is neutral and polar, with glycine, which is neutral and non-polar, at codon 116 of the VPS33B protein (p.Ser116Gly).